The following is an entry in ClinVar:

ClinVar aggregate classification (germline): Uncertain significance (1 of 4 stars; one submission).

Conditions:
Intellectual developmental disorder, X-linked 93. Also called: MENTAL RETARDATION, X-LINKED, WITH MACROCEPHALY; Intellectual disability, X-linked 93. Identifiers: MedGen C1970841, MONDO:0010393, OMIM 300659.

Submission:

Clinical Genomics Laboratory, Stanford Medicine
Classification: Uncertain significance for Intellectual developmental disorder, X-linked 93. Last evaluated: 2022-07-22. Review status: criteria provided, single submitter. Criteria: ACMG Guidelines, 2015. Collection method: clinical testing. Allele origin: unknown. Observed: 1 variant allele, 1 heterozygote.
Comment: The p.Gly741Arg variant in the BRWD3 gene has not been previously reported in association with disease. This variant was absent from large population databases, including the Genome Aggregation Database. Computational tools predict that this variant is neither deleterious nor benign; however, the accuracy of in silico algorithms is limited. The BRWD3 gene has fewer missense variants in the general population than expected. A low rate of missense variation may suggest that this gene is intolerant to missense variation. These data were assessed using the ACMG/AMP variant interpretation guidelines. In summary, the significance of the p.Gly741Arg variant is uncertain. Additional information is needed to resolve the significance of this variant. [ACMG evidence codes used: PM2; PP2]

NM_153252.5(BRWD3):c.2221G>A (p.Gly741Arg)

Gene: BRWD3 (bromodomain and WD repeat domain containing 3; minus strand). Cytogenetic location: Xq21.1.
Variant type: single nucleotide variant.
Coding change: c.2221G>A on transcript NM_153252.5 (MANE Select); coding-DNA position 2221, G replaced by A.
Protein change: p.Gly741Arg; replaces glycine 741 with arginine.
Molecular consequence: missense variant.
Genome position (GRCh38, 1-based): chrX:80,717,583, C>T on the plus strand (G>A on the coding strand, the complement: BRWD3 is on the minus strand). VCF-style: chrX-80717583-C-T. GRCh37 (hg19) VCF-style: chrX-79973082-C-T.
Other names: short protein forms G741R.
Identifiers: ClinVar variation 3899878 (VCV003899878.1).